The following is an entry in ClinVar:

NM_000108.5(DLD):c.321A>G (p.Ala107=)

Gene: DLD (dihydrolipoamide dehydrogenase; plus strand). Cytogenetic location: 7q31.1.
Variant type: single nucleotide variant.
Coding change: c.321A>G on transcript NM_000108.5 (MANE Select); coding-DNA position 321, A replaced by G.
Protein change: p.Ala107=; no amino-acid change (alanine 107 retained).
Molecular consequence: synonymous variant.
Genome position (GRCh38, 1-based): chr7:107,903,531, A>G. VCF-style: chr7-107903531-A-G. GRCh37 (hg19) VCF-style: chr7-107543976-A-G.
Other names: c.24A>G, p.Ala8= (NM_001289750.1); c.252A>G, p.Ala84= (NM_001289751.1); c.321A>G, p.Ala107= (NM_001289752.1).
Identifiers: ClinVar variation 382483 (VCV000382483.43), dbSNP rs138398782, ClinGen allele CA4434418.
Genomic context (GRCh38, chr7:107,903,531, plus strand): 5'-CCTTTAGGCTTTATTGAACAACTCTCATTATTACCATATGGCCCATGGAAAAGATTTTGC[A>G]TCTAGAGGAATTGAAAGTAAGTATACTTTTCATGCTTAATGATATTACCAGACTGCTTGA-3'
Protein context (NP_000099.2, residues 97-117): YYHMAHGKDF[Ala107=]SRGIEMSEVR

ClinVar aggregate classification (germline): Conflicting classifications of pathogenicity. Review status: criteria provided, conflicting classifications (1 of 4 stars). 8 submissions from 6 submitters: Uncertain significance (3); Likely benign (5). Last evaluated 2026-02-01.

Conditions:
Leigh syndrome (NULS). Also called: LEIGH SYNDROME, NUCLEAR; Leigh Disease; Subacute necrotizing encephalopathy; Necrotizing encephalopathy infantile subacute of Leigh; Leigh Syndrome (mtDNA deletion); Leigh's necrotizing encephalopathy. Identifiers: Orphanet 506, MedGen C2931891, MONDO:0009723, OMIM 256000.
Pyruvate dehydrogenase complex deficiency (PDHC). Also called: Pyruvate Dehydrogenase Complex Deficiency Disease; Pyruvate dehydrogenase deficiency; Ataxia with lactic acidosis 1; PDH DEFICIENCY; PYRUVATE DECARBOXYLASE DEFICIENCY. Identifiers: Orphanet 765, Orphanet 79243, MedGen C0034345, MONDO:0019169.
Pyruvate dehydrogenase E3 deficiency (DLDD). Also called: Dihydrolipoamide Dehydrogenase E3 Deficiency; DLD DEFICIENCY; E3 DEFICIENCY; MAPLE SYRUP URINE DISEASE, TYPE III; Lipoamide dehydrogenase deficiency, lactic acidosis due to; Lipoamide dehydrogenase deficiency. Identifiers: Orphanet 2394, Orphanet 765, MedGen C5574660, MONDO:0009529, OMIM 246900.

Allele frequency attached by ClinVar (database versions not stated): gnomAD 0.00022; gnomAD exomes 0.00034; ExAC 0.00038; TOPMed 0.00039; 1000 Genomes Project 0.00040; ESP Exome Variant Server 0.00046; 1000 Genomes Project 30x 0.00047.
gnomAD v4.1: 716 of 1,593,414 alleles (0.045%); highest among the groups gnomAD compares: Non-Finnish European, 0.056%; no homozygotes.

Submissions (8):

Labcorp Genetics (formerly Invitae), Labcorp
Classification: Likely benign for Pyruvate dehydrogenase E3 deficiency. Last evaluated: 2026-02-01. Review status: criteria provided, single submitter. Criteria: Invitae Variant Classification Sherloc (09022015). Collection method: clinical testing. Allele origin: germline.

Women's Health and Genetics/Laboratory Corporation of America, LabCorp
Classification: Likely benign. Last evaluated: 2025-11-05. Review status: criteria provided, single submitter. Criteria: LabCorp Variant Classification Summary - May 2015. Collection method: clinical testing. Allele origin: germline.

CeGaT Center for Human Genetics Tuebingen
Classification: Likely benign. Last evaluated: 2025-09-01. Review status: criteria provided, single submitter. Criteria: CeGaT Center For Human Genetics Tuebingen Variant Classification Criteria Version 2. Collection method: clinical testing. Allele origin: germline. Affected: yes. Observed: 4 variant alleles.
Comment: DLD: BP4, BP7

Blueprint Genetics
Classification: Likely benign. Last evaluated: 2024-11-07. Review status: criteria provided, single submitter. Criteria: ACMG Guidelines, 2015. Collection method: clinical testing. Allele origin: germline.

GeneDx
Classification: Likely benign. Last evaluated: 2021-06-15. Review status: criteria provided, single submitter. Criteria: GeneDx Variant Classification Process June 2021. Collection method: clinical testing. Allele origin: germline. Affected: yes.

Illumina Laboratory Services, Illumina
Classification: Uncertain significance for Leigh syndrome. Last evaluated: 2018-01-12. Review status: criteria provided, single submitter. Criteria: ICSL Variant Classification Criteria 13 December 2019. Collection method: clinical testing. Allele origin: germline.

Illumina Laboratory Services, Illumina
Classification: Uncertain significance for Pyruvate dehydrogenase E3 deficiency. Last evaluated: 2018-01-12. Review status: criteria provided, single submitter. Criteria: ICSL Variant Classification Criteria 13 December 2019. Collection method: clinical testing. Allele origin: germline.

Illumina Laboratory Services, Illumina
Classification: Uncertain significance for Pyruvate dehydrogenase complex deficiency. Last evaluated: 2018-01-12. Review status: criteria provided, single submitter. Criteria: ICSL Variant Classification Criteria 13 December 2019. Collection method: clinical testing. Allele origin: germline.